The following is an entry in ClinVar:

NM_001447.3(FAT2):c.10357C>T (p.Pro3453Ser)

Genes: FAT2 (FAT atypical cadherin 2; minus strand), SLC36A1 (solute carrier family 36 member 1; plus strand). Cytogenetic location: 5q33.1.
Variant type: single nucleotide variant.
Coding change: c.10357C>T on transcript NM_001447.3 (MANE Select); coding-DNA position 10357, C replaced by T.
Protein change: p.Pro3453Ser; replaces proline 3453 with serine.
Molecular consequence: missense variant.
Genome position (GRCh38, 1-based): chr5:151,525,917, G>A on the plus strand (C>T on the coding strand, the complement: FAT2 is on the minus strand). VCF-style: chr5-151525917-G-A. GRCh37 (hg19) VCF-style: chr5-150905478-G-A.
Other names: short protein forms P3453S.
Identifiers: ClinVar variation 2981168 (VCV002981168.3), dbSNP rs148136699, ClinGen allele CA3520285.

ClinVar aggregate classification (germline): Uncertain significance (1 of 4 stars; one submission).

Allele frequency attached by ClinVar (database versions not stated): gnomAD exomes below 0.00001; gnomAD 0.00001; ExAC 0.00002; TOPMed 0.00004; ESP Exome Variant Server 0.00008.
gnomAD v4.1: 8 of 1,614,050 alleles (0.0005%); highest among the groups gnomAD compares: African/African-American, 0.008%; no homozygotes.

Submission:

Labcorp Genetics (formerly Invitae), Labcorp
Classification: Uncertain significance. Last evaluated: 2023-09-03. Review status: criteria provided, single submitter. Criteria: Invitae Variant Classification Sherloc (09022015). Collection method: clinical testing. Allele origin: germline.
Comment: In summary, the available evidence is currently insufficient to determine the role of this variant in disease. Therefore, it has been classified as a Variant of Uncertain Significance. Advanced modeling of protein sequence and biophysical properties (such as structural, functional, and spatial information, amino acid conservation, physicochemical variation, residue mobility, and thermodynamic stability) performed at Invitae indicates that this missense variant is not expected to disrupt FAT2 protein function. This variant has not been reported in the literature in individuals affected with FAT2-related conditions. This variant is present in population databases (rs148136699, gnomAD 0.03%). This sequence change replaces proline, which is neutral and non-polar, with serine, which is neutral and polar, at codon 3453 of the FAT2 protein (p.Pro3453Ser).